The following is an entry in ClinVar:

ClinVar aggregate classification (germline): Likely pathogenic (1 of 4 stars; one submission).

Submission:

Labcorp Genetics (formerly Invitae), Labcorp
Classification: Likely pathogenic. Last evaluated: 2026-01-22. Review status: criteria provided, single submitter. Criteria: Invitae Variant Classification Sherloc (09022015). Collection method: clinical testing. Allele origin: germline.
Comment: This sequence change replaces methionine, which is neutral and non-polar, with valine, which is neutral and non-polar, at codon 127 of the CYB5R3 protein (p.Met127Val). This variant is present in population databases (rs766976671, gnomAD 0.0009%). This missense change has been observed in individual(s) with methemoglobinemia (PMID: 11295830, 31898843). In at least one individual the data is consistent with being in trans (on the opposite chromosome) from a pathogenic variant. Invitae Evidence Modeling of protein sequence and biophysical properties (such as structural, functional, and spatial information, amino acid conservation, physicochemical variation, residue mobility, and thermodynamic stability) has been performed for this missense variant. However, the output from this modeling did not meet the statistical confidence thresholds required to predict the impact of this variant on CYB5R3 protein function. Experimental studies have shown that this missense change affects CYB5R3 function (PMID: 11295830). In summary, the currently available evidence indicates that the variant is pathogenic, but additional data are needed to prove that conclusively. Therefore, this variant has been classified as Likely Pathogenic.

Literature cited by the submitters: PubMed 11295830; PubMed 31898843.

NM_000398.7(CYB5R3):c.379A>G (p.Met127Val)

Gene: CYB5R3 (cytochrome b5 reductase 3; minus strand). Cytogenetic location: 22q13.2.
Variant type: single nucleotide variant.
Coding change: c.379A>G on transcript NM_000398.7 (MANE Select); coding-DNA position 379, A replaced by G.
Protein change: p.Met127Val; replaces methionine 127 with valine.
Molecular consequence: missense variant.
Genome position (GRCh38, 1-based): chr22:42,628,236, T>C on the plus strand (A>G on the coding strand, the complement: CYB5R3 is on the minus strand). VCF-style: chr22-42628236-T-C. GRCh37 (hg19) VCF-style: chr22-43024242-T-C.
Other names: c.310A>G, p.Met104Val (NM_001129819.2, NM_001171661.1, NM_007326.4); c.478A>G, p.Met160Val (NM_001171660.2); short protein forms M160V, M104V, M127V.
Identifiers: ClinVar variation 4710633 (VCV004710633.1).